The following is an entry in ClinVar:

NM_018714.3(COG1):c.2929A>G (p.Ser977Gly)

Genes: VCF1 (VCP nuclear cofactor family member 1; minus strand), COG1 (component of oligomeric golgi complex 1; plus strand). Cytogenetic location: 17q25.1.
Variant type: single nucleotide variant.
Coding change: c.2929A>G on transcript NM_018714.3 (MANE Select); coding-DNA position 2929, A replaced by G.
Protein change: p.Ser977Gly; replaces serine 977 with glycine.
Molecular consequence: missense variant. On other transcripts: 3 prime UTR variant (5).
Genome position (GRCh38, 1-based): chr17:73,208,437, A>G. VCF-style: chr17-73208437-A-G. GRCh37 (hg19) VCF-style: chr17-71204576-A-G.
Other names: c.*1092T>C (NM_001098832.2, NM_001289412.2, NM_032837.3); c.*1241T>C (NM_001289410.1, NM_001289411.1); short protein forms S977G.
Identifiers: ClinVar variation 644686 (VCV000644686.8), dbSNP rs757086937, ClinGen allele CA8740705.

ClinVar aggregate classification (germline): Uncertain significance. Review status: criteria provided, multiple submitters, no conflicts (2 of 4 stars). 2 submissions from 2 submitters: Uncertain significance (2). Last evaluated 2024-11-11.

Conditions:
COG1 congenital disorder of glycosylation (CDG2G). Also called: CONGENITAL DISORDER OF GLYCOSYLATION, TYPE IIg; CDG IIg; CDGII/COG1 CEREBROCOSTOMANDIBULAR-LIKE SYNDROME. Identifiers: Orphanet 263508, MedGen C2931011, MONDO:0012637, OMIM 611209.
Inborn genetic diseases. Identifiers: MedGen C0950123, MeSH D030342.

Allele frequency attached by ClinVar (database versions not stated): gnomAD exomes 0.00001 and 0.00002; TOPMed 0.00002; gnomAD 0.00003 and 0.00004; ExAC 0.00004.
gnomAD v4.1: 26 of 1,614,058 alleles (0.0016%); highest among the groups gnomAD compares: African/African-American, 0.004%; no homozygotes.

Submissions (2):

Labcorp Genetics (formerly Invitae), Labcorp
Classification: Uncertain significance for COG1 congenital disorder of glycosylation. Last evaluated: 2024-11-11. Review status: criteria provided, single submitter. Criteria: Invitae Variant Classification Sherloc (09022015). Collection method: clinical testing. Allele origin: germline.
Comment: This sequence change replaces serine, which is neutral and polar, with glycine, which is neutral and non-polar, at codon 977 of the COG1 protein (p.Ser977Gly). This variant is present in population databases (rs757086937, gnomAD 0.004%). This variant has not been reported in the literature in individuals affected with COG1-related conditions. ClinVar contains an entry for this variant (Variation ID: 644686). An algorithm developed to predict the effect of missense changes on protein structure and function outputs the following: PolyPhen-2: "Benign". The glycine amino acid residue is found in multiple mammalian species, which suggests that this missense change does not adversely affect protein function. Algorithms developed to predict the effect of sequence changes on RNA splicing suggest that this variant may create or strengthen a splice site. In summary, the available evidence is currently insufficient to determine the role of this variant in disease. Therefore, it has been classified as a Variant of Uncertain Significance.

Ambry Genetics
Classification: Uncertain significance for Inborn genetic diseases. Last evaluated: 2021-10-12. Review status: criteria provided, single submitter. Criteria: Ambry Variant Classification Scheme 2023. Collection method: clinical testing. Allele origin: germline.